The following is an entry in ClinVar:

NM_004646.4(NPHS1):c.2138_2139del (p.Asp713fs)

Gene: NPHS1 (NPHS1 adhesion molecule, nephrin; minus strand). Cytogenetic location: 19q13.12.
Variant type: Deletion.
Coding change: c.2138_2139del on transcript NM_004646.4 (MANE Select); coding-DNA positions 2138 to 2139, 2 bases deleted (AC; older notation c.2138_2139delAC).
Protein change: p.Asp713fs; shifts the reading frame from aspartic acid 713.
Molecular consequence: frameshift variant.
Genome position (GRCh38, 1-based): chr19:35,844,176-35,844,177, GT deleted on the plus strand (AC on the coding strand, the reverse complement: NPHS1 is on the minus strand). VCF-style (leftmost placement, unchanged base first): chr19-35844175-CGT-C. GRCh37 (hg19) VCF-style: chr19-36335077-CGT-C.
Other names: short protein forms D713fs.
Identifiers: ClinVar variation 5010717 (VCV005010717.1).

ClinVar aggregate classification (germline): Pathogenic (1 of 4 stars; one submission).

Conditions:
Finnish congenital nephrotic syndrome (NPHS1). Also called: NEPHROTIC SYNDROME, TYPE 1. Identifiers: Orphanet 839, MedGen C0403399, MONDO:0009732, OMIM 256300.

Submission:

Myriad Genetics, Inc.
Classification: Pathogenic for Finnish congenital nephrotic syndrome. Last evaluated: 2025-12-10. Review status: criteria provided, single submitter. Criteria: Myriad Autosomal Dominant, Autosomal Recessive and X-Linked Classification Criteria (2023). Collection method: clinical testing. Allele origin: unknown.
Comment: NM_004646.3(NPHS1):c.2138_2139delAC(D713Gfs*12) is expected to be pathogenic in the context of nephrotic syndrome, NPHS1-related. This variant is predicted to lead to an abnormal or absent protein product due to the creation of a premature termination codon in NPHS1, a gene where loss-of-function variants are known to be pathogenic. Please note: this variant was assessed in the context of healthy population screening.